The following is an entry in ClinVar:

NM_006922.4(SCN3A):c.4294-1G>T

Gene: SCN3A (sodium voltage-gated channel alpha subunit 3; minus strand). Cytogenetic location: 2q24.3.
Variant type: single nucleotide variant.
Coding change: c.4294-1G>T on transcript NM_006922.4 (MANE Select); the canonical splice acceptor site of the intron before coding-DNA position 4294, G replaced by T.
Molecular consequence: splice acceptor variant.
Genome position (GRCh38, 1-based): chr2:165,095,649, C>A on the plus strand (G>T on the coding strand, the complement: SCN3A is on the minus strand). VCF-style: chr2-165095649-C-A. GRCh37 (hg19) VCF-style: chr2-165952159-C-A.
Other names: c.4147-1G>T (NM_001081676.2, NM_001081677.2).
Identifiers: ClinVar variation 4727689 (VCV004727689.1).

ClinVar aggregate classification (germline): Uncertain significance (1 of 4 stars; one submission).

Submission:

Labcorp Genetics (formerly Invitae), Labcorp
Classification: Uncertain significance. Last evaluated: 2025-09-23. Review status: criteria provided, single submitter. Criteria: Invitae Variant Classification Sherloc (09022015). Collection method: clinical testing. Allele origin: germline.
Comment: This sequence change affects an acceptor splice site in intron 24 of the SCN3A gene. It is expected to disrupt RNA splicing. Variants that disrupt the donor or acceptor splice site typically lead to a loss of protein function (PMID: 16199547), however the current clinical and genetic evidence is not sufficient to establish whether loss-of-function variants in SCN3A cause disease. This variant is not present in population databases (gnomAD no frequency). This variant has not been reported in the literature in individuals affected with SCN3A-related conditions. Algorithms developed to predict the effect of sequence changes on RNA splicing suggest that this variant may disrupt the consensus splice site. In summary, the available evidence is currently insufficient to determine the role of this variant in disease. Therefore, it has been classified as a Variant of Uncertain Significance.

Literature cited by the submitters: PubMed 16199547.